The following is an entry in ClinVar:

NM_001364905.1(LRBA):c.3048T>G (p.Tyr1016Ter)

Gene: LRBA (LPS responsive beige-like anchor protein; minus strand). Cytogenetic location: 4q31.3.
Variant type: single nucleotide variant.
Coding change: c.3048T>G on transcript NM_001364905.1 (MANE Select); coding-DNA position 3048, T replaced by G.
Protein change: p.Tyr1016Ter; replaces tyrosine 1016 with a stop codon.
Molecular consequence: nonsense.
Genome position (GRCh38, 1-based): chr4:150,852,662, A>C on the plus strand (T>G on the coding strand, the complement: LRBA is on the minus strand). VCF-style: chr4-150852662-A-C. GRCh37 (hg19) VCF-style: chr4-151773814-A-C.
Other names: c.3048T>G, p.Tyr1016Ter (NM_001199282.3, NM_001367550.1, NM_006726.5); short protein forms Y1016*.
Identifiers: ClinVar variation 2838372 (VCV002838372.3), dbSNP rs746278403, ClinGen allele CA358459834.
Genomic context (GRCh38, chr4:150,852,662, plus strand): 5'-TTCTTCCAAAGTGCCTTCATCTGGTAACTCCTGATTTTCTTGCTCAGCTTTCATTTCTTC[A>C]TAAGATGTATTAGTAGTTTGCAGTTCAATATTAGATGCAGATTCTAGTGAACTTGTCTTC-3'

ClinVar aggregate classification (germline): Pathogenic (1 of 4 stars; one submission).

Conditions:
Combined immunodeficiency due to LRBA deficiency. Also called: Common variable immunodeficiency 8, with autoimmunity. Identifiers: Orphanet 445018, MedGen C3553512, MONDO:0013863, OMIM 614700.

Submission:

Labcorp Genetics (formerly Invitae), Labcorp
Classification: Pathogenic for Combined immunodeficiency due to LRBA deficiency. Last evaluated: 2023-10-07. Review status: criteria provided, single submitter. Criteria: Invitae Variant Classification Sherloc (09022015). Collection method: clinical testing. Allele origin: germline.
Comment: This sequence change creates a premature translational stop signal (p.Tyr1016*) in the LRBA gene. It is expected to result in an absent or disrupted protein product. Loss-of-function variants in LRBA are known to be pathogenic (PMID: 26206937, 26768763). This variant is not present in population databases (gnomAD no frequency). This variant has not been reported in the literature in individuals affected with LRBA-related conditions. For these reasons, this variant has been classified as Pathogenic.

Literature cited by the submitters: PubMed 26206937; PubMed 26768763.